The following is an entry in ClinVar:

NM_001009944.3(PKD1):c.10698GGCTGT[1] (p.3567AV[1])

Genes: PKD1 (polycystin 1, transient receptor potential channel interacting; minus strand), PKD1-AS1 (PKD1 antisense RNA 1; plus strand). Cytogenetic location: 16p13.3.
Variant type: Microsatellite.
Coding change: c.10698GGCTGT[1] on transcript NM_001009944.3 (MANE Select); one copy of the 6-base unit GGCTGT starting at c.10698; the reference has three copies in a row; two copies, 12 bases deleted.
Protein change: p.3567AV[1].
Molecular consequence: inframe deletion.
Genome position (GRCh38, 1-based): chr16:2,093,917-2,093,928, ACAGCCACAGCC deleted on the plus strand (GGCTGTGGCTGT on the coding strand, the reverse complement: PKD1 is on the minus strand); deleting any 12 consecutive bases within chr16:2,093,917-2,093,936 gives the same sequence; the position shown is the placement nearest the transcript's 3' end. VCF-style (leftmost placement, unchanged base first): chr16-2093916-GACAGCCACAGCC-G. GRCh37 (hg19) VCF-style: chr16-2143917-GACAGCCACAGCC-G.
Other names: c.10695GGCTGT[1], p.3566AV[1] (NM_000296.4).
Identifiers: ClinVar variation 3235151 (VCV003235151.1), dbSNP rs777460677.
Genomic context (GRCh38, chr16:2,093,916, plus strand): 5'-GCTGGACAGGAGCCACGCAACACTCACGCCCGGGGGGAAGCTCGCACCCACCCACCCTGA[GACAGCCACAGCC>G]ACAGCCACCAGGAGCAGGCTGAGCCCGTGGGCCAGGGAGGCACACCAGGCCGGCAGCAGG-3'

ClinVar aggregate classification (germline): Likely pathogenic (1 of 4 stars; one submission).

Conditions:
Polycystic kidney disease, adult type (PKD1). Also called: Polycystic Kidney Disease 1, Autosomal Dominant; Polycystic kidney disease 1; Polycystic kidney disease 1, severe; Polycystic Kidney, Autosomal Dominant; POLYCYSTIC KIDNEY DISEASE 1 WITH OR WITHOUT POLYCYSTIC LIVER DISEASE; POLYCYSTIC KIDNEY DISEASE, ADULT, TYPE I. Identifiers: MedGen C3149841, MONDO:0008263, OMIM 173900.

Submission:

MVZ Medizinische Genetik Mainz
Classification: Likely pathogenic for Polycystic kidney disease, adult type. Last evaluated: 2023-03-03. Review status: criteria provided, single submitter. Criteria: UK Practice Guidelines For Variant Classification V4 01 2020. Collection method: clinical testing. Allele origin: germline. Inheritance: Autosomal dominant inheritance. Affected: yes. Observed: 1 variant allele.
Comment: ACMG Criteria: PS1_MOD, PM4, PM2_SUP, PP4